The following is an entry in ClinVar:

NM_000059.4(BRCA2):c.6080G>T (p.Arg2027Ile)

Gene: BRCA2 (BRCA2 DNA repair associated; plus strand). Cytogenetic location: 13q13.1.
Variant type: single nucleotide variant.
Coding change: c.6080G>T on transcript NM_000059.4 (MANE Select); coding-DNA position 6080, G replaced by T.
Protein change: p.Arg2027Ile; replaces arginine 2027 with isoleucine.
Molecular consequence: missense variant. On other transcripts: non-coding transcript variant (1), intron variant (2).
Genome position (GRCh38, 1-based): chr13:32,340,435, G>T. VCF-style: chr13-32340435-G-T. GRCh37 (hg19) VCF-style: chr13-32914572-G-T.
Other names: c.6080G>T, p.Arg2027Ile (NM_001406720.1, NM_001406719.1); c.1910-4123G>T (NM_001406721.1); c.425-4123G>T (NM_001406722.1); short protein forms R2027I.
Identifiers: ClinVar variation 3075633 (VCV003075633.1), dbSNP rs431825337, ClinGen allele CA387788010.

ClinVar aggregate classification (germline): Uncertain significance (1 of 4 stars; one submission).

Conditions:
Breast-ovarian cancer, familial, susceptibility to, 2 (BROVCA2). Also called: BRCA2 Hereditary Breast and Ovarian Cancer. Identifiers: Orphanet 145, MedGen C2675520, MONDO:0012933, OMIM 612555. Disease mechanism: loss of function.

Submission:

All of Us Research Program, National Institutes of Health
Classification: Uncertain significance for Breast-ovarian cancer, familial, susceptibility to, 2. Last evaluated: 2023-04-03. Review status: criteria provided, single submitter. Criteria: ACMG Guidelines, 2015. Collection method: clinical testing. Allele origin: germline. Inheritance: Autosomal dominant inheritance. Observed: 1 variant allele, 1 heterozygote.
Comment: This missense variant replaces arginine with isoleucine at codon 2027 of the BRCA2 protein. Computational prediction suggests that this variant may not impact protein structure and function (internally defined REVEL score threshold <= 0.5, PMID: 27666373). To our knowledge, functional studies have not been reported for this variant. This variant has not been reported in individuals affected with hereditary cancer in the literature. This variant has not been identified in the general population by the Genome Aggregation Database (gnomAD). The available evidence is insufficient to determine the role of this variant in disease conclusively. Therefore, this variant is classified as a Variant of Uncertain Significance.

This study involves interpretation of variants in research participants for the purpose of population health screening. Participant phenotype was not available at the time of variant classification. Additional details can be found in publication PMID: 35346344, PMCID: PMC8962531